The following is an entry in ClinVar:

ClinVar aggregate classification (germline): Conflicting classifications of pathogenicity. Review status: criteria provided, conflicting classifications (1 of 4 stars). 2 submissions from 2 submitters: Likely pathogenic (1); Uncertain significance (1). Last evaluated 2023-11-14.

Conditions:
Dilated cardiomyopathy 1G (CMD1G). Identifiers: Orphanet 154, MedGen C1858763, MONDO:0011400, OMIM 604145.
Autosomal recessive limb-girdle muscular dystrophy type 2J (LGMDR10). Also called: Limb-girdle muscular dystrophy, type 2J; MUSCULAR DYSTROPHY, LIMB-GIRDLE, AUTOSOMAL RECESSIVE 10. Identifiers: Orphanet 140922, MedGen C1837342, MONDO:0012127, OMIM 608807.

Submissions (2):

Labcorp Genetics (formerly Invitae), Labcorp
Classification: Likely pathogenic for Dilated cardiomyopathy 1G; Autosomal recessive limb-girdle muscular dystrophy type 2J. Last evaluated: 2023-11-14. Review status: criteria provided, single submitter. Criteria: Invitae Variant Classification Sherloc (09022015). Collection method: clinical testing. Allele origin: germline.
Comment: This sequence change creates a premature translational stop signal (p.Gln29716Thrfs*6) in the TTN gene. While this is not anticipated to result in nonsense mediated decay, it is expected to create a truncated TTN protein. This variant is not present in population databases (gnomAD no frequency). This variant has not been reported in the literature in individuals affected with TTN-related conditions. This variant is located in the A band of TTN (PMID: 25589632). Truncating variants in this region are significantly overrepresented in patients affected with dilated cardiomyopathy (PMID: 25589632). Truncating variants in this region have also been reported in individuals affected with autosomal recessive centronuclear myopathy (PMID: 23975875). In summary, the currently available evidence indicates that the variant is pathogenic, but additional data are needed to prove that conclusively. Therefore, this variant has been classified as Likely Pathogenic.

Victorian Clinical Genetics Services, Murdoch Childrens Research Institute
Classification: Uncertain significance for Dilated cardiomyopathy 1G. Last evaluated: 2022-02-02. Review status: criteria provided, single submitter. Criteria: ACMG Guidelines, 2015. Collection method: clinical testing. Allele origin: germline. Inheritance: Autosomal dominant inheritance.
Comment: Based on the classification scheme VCGS_Germline_v1.3.4, this variant is classified as VUS-3A. Following criteria are met: 0102 - Loss of function is known mechanism of disease in this gene. In addition, dominant-negative is also a suggested mechanism (PMID: 25589632). (I) 0108 - This gene is associated with both recessive and dominant disease (OMIM). (I) 0112 - The condition associated with this gene has incomplete penetrance. Variants in this gene that result in a premature truncating codon (PTC) are known to have reduced penetrance in DCM (PMID: 25589632). (I) 0201 - Variant is predicted to cause nonsense-mediated decay (NMD) and loss of protein (premature termination codon is located at least 54 nucleotides upstream of the final exon-exon junction). (SP) 0251 - This variant is heterozygous. (I) 0301 - Variant is absent from gnomAD (both v2 and v3). (SP) 0600 - Variant is located in the annotated A-band and the exon has a PSI score of 100 (PMID: 25589632). (I) 0703 - Other NMD-predicted variants comparable to the one identified in this case have moderate previous evidence for pathogenicity (ClinVar). (SP) 0807 - This variant has no previous evidence of pathogenicity. (I) 0905 - No published segregation evidence has been identified for this variant. (I) 1007 - No published functional evidence has been identified for this variant. (I) 1208 - Inheritance information for this variant is not currently available in this individual. (I) Legend: (SP) - Supporting pathogenic, (I) - Information, (SB) - Supporting benign

Literature cited by the submitters: PubMed 25589632 (cited by Labcorp Genetics (formerly Invitae), Labcorp and Victorian Clinical Genetics Services, Murdoch Childrens Research Institute); PubMed 23975875 (cited by Labcorp Genetics (formerly Invitae), Labcorp).

NM_001267550.2(TTN):c.89144dup (p.Gln29716fs)

Genes: TTN-AS1 (TTN antisense RNA 1; plus strand), TTN (titin; minus strand). Cytogenetic location: 2q31.2.
Variant type: Duplication.
Coding change: c.89144dup on transcript NM_001267550.2 (MANE Select); coding-DNA position 89144, one base duplicated (G; older notation c.89144dupG).
Protein change: p.Gln29716fs; shifts the reading frame from glutamine 29716.
Molecular consequence: frameshift variant.
Genome position (GRCh38, 1-based): chr2:178,553,967, C duplicated on the plus strand (G on the coding strand, the reverse complement: TTN is on the minus strand); the first of 2 consecutive C bases (chr2:178,553,967-178,553,968); duplicating either gives the same sequence. VCF-style (leftmost placement, unchanged base first): chr2-178553966-T-TC. GRCh37 (hg19) VCF-style: chr2-179418693-T-TC.
Other names: c.89144dupG (NM_001267550.1); c.84221dup, p.Gln28075fs (NM_001256850.1); c.61949dup, p.Gln20651fs (NM_003319.4); c.81440dup, p.Gln27148fs (NM_133378.4); c.62324dup, p.Gln20776fs (NM_133432.3); c.62525dup, p.Gln20843fs (NM_133437.4); short protein forms Q27148fs, Q29716fs, Q20776fs, Q20651fs, Q20843fs, Q28075fs.
Identifiers: ClinVar variation 2953855 (VCV002953855.4), dbSNP rs1700323685, ClinGen allele CA1310523256.
Genomic context (GRCh38, chr2:178,553,966, plus strand): 5'-GCACTTACCAATAGGATCAGCAGCTTTGTAGAATTCAGATGGTTCAGAAAATGGACCCTG[T>TC]CCAGCAGCGTTTACAGCACAAACTCTGTATTGATAGTCACTGTTTTCTGTGAGTCCTGTT-3'